The following is an entry in ClinVar:

NM_000821.7(GGCX):c.1454G>A (p.Arg485His)

Gene: GGCX (gamma-glutamyl carboxylase; minus strand). Cytogenetic location: 2p11.2.
Variant type: single nucleotide variant.
Coding change: c.1454G>A on transcript NM_000821.7 (MANE Select); coding-DNA position 1454, G replaced by A.
Protein change: p.Arg485His; replaces arginine 485 with histidine.
Molecular consequence: missense variant.
Genome position (GRCh38, 1-based): chr2:85,551,967, C>T on the plus strand (G>A on the coding strand, the complement: GGCX is on the minus strand). VCF-style: chr2-85551967-C-T. GRCh37 (hg19) VCF-style: chr2-85779090-C-T.
Other names: c.1283G>A, p.Arg428His (NM_001142269.4); short protein forms R428H, R485H.
Identifiers: ClinVar variation 3341038 (VCV003341038.1).
Genomic context (GRCh38, chr2:85,551,967, plus strand): 5'-AGTGGTTGCACCCAGGATGTGCGCTGAAAGGGTGACCAAGCGGCCTGCACGATGTCCACA[C>T]GAGGGTCAAAAATCCTTAGGAAAGAAAACCATGTTCTAAGGACATCACAGCCACCCACCC-3'
Protein context (NP_000812.2, residues 475-495): DRFQQRIFDP[Arg485His]VDIVQAAWSP

ClinVar aggregate classification (germline): Uncertain significance (1 of 4 stars; one submission).

Submission:

GeneDx
Classification: Uncertain significance. Last evaluated: 2024-01-25. Review status: criteria provided, single submitter. Criteria: GeneDx Variant Classification Process June 2021. Collection method: clinical testing. Allele origin: germline. Affected: yes.
Comment: In silico analysis supports that this missense variant does not alter protein structure/function; Has not been previously published as pathogenic or benign to our knowledge